The following is an entry in ClinVar:

NM_004336.5(BUB1):c.2333C>A (p.Thr778Asn)

Gene: BUB1 (BUB1 mitotic checkpoint serine/threonine kinase; minus strand). Cytogenetic location: 2q13.
Variant type: single nucleotide variant.
Coding change: c.2333C>A on transcript NM_004336.5 (MANE Select); coding-DNA position 2333, C replaced by A.
Protein change: p.Thr778Asn; replaces threonine 778 with asparagine.
Molecular consequence: missense variant.
Genome position (GRCh38, 1-based): chr2:110,649,248, G>T on the plus strand (C>A on the coding strand, the complement: BUB1 is on the minus strand). VCF-style: chr2-110649248-G-T. GRCh37 (hg19) VCF-style: chr2-111406825-G-T.
Other names: c.2273C>A, p.Thr758Asn (NM_001278616.2); c.2333C>A, p.Thr778Asn (NM_001278617.2); short protein forms T778N, T758N.
Identifiers: ClinVar variation 1789746 (VCV001789746.2), dbSNP rs1348002488, ClinGen allele CA348209379.

ClinVar aggregate classification (germline): Uncertain significance (1 of 4 stars; one submission).

Submission:

Ambry Genetics
Classification: Uncertain significance. Last evaluated: 2022-02-15. Review status: criteria provided, single submitter. Criteria: Ambry Variant Classification Scheme 2023. Collection method: clinical testing. Allele origin: germline.
Comment: The p.T778N variant (also known as c.2333C>A), located in coding exon 19 of the BUB1 gene, results from a C to A substitution at nucleotide position 2333. The threonine at codon 778 is replaced by asparagine, an amino acid with similar properties. This amino acid position is conserved. In addition, this alteration is predicted to be tolerated by in silico analysis. Since supporting evidence is limited at this time, the clinical significance of this alteration remains unclear.